The following is an entry in ClinVar:

ClinVar aggregate classification (germline): Pathogenic (1 of 4 stars; one submission).

Conditions:
Ataxia-telangiectasia syndrome (AT). Also called: ATAXIA-TELANGIECTASIA, COMPLEMENTATION GROUP A; ATAXIA-TELANGIECTASIA, FRESNO VARIANT; Ataxia-telangiectasia; LOUIS-BAR SYNDROME; Cerebello-oculocutaneous telangiectasia; Immunodeficiency with ataxia telangiectasia. Identifiers: Orphanet 100, MedGen C0004135, MONDO:0008840, OMIM 208900.

Submission:

Labcorp Genetics (formerly Invitae), Labcorp
Classification: Pathogenic for Ataxia-telangiectasia syndrome. Last evaluated: 2025-03-26. Review status: criteria provided, single submitter. Criteria: Invitae Variant Classification Sherloc (09022015). Collection method: clinical testing. Allele origin: germline.
Comment: This sequence change creates a premature translational stop signal (p.Pro1379Serfs*8) in the ATM gene. It is expected to result in an absent or disrupted protein product. Loss-of-function variants in ATM are known to be pathogenic (PMID: 23807571, 25614872). This variant is not present in population databases (gnomAD no frequency). This variant has not been reported in the literature in individuals affected with ATM-related conditions. Algorithms developed to predict the effect of sequence changes on RNA splicing suggest that this variant may disrupt the consensus splice site. For these reasons, this variant has been classified as Pathogenic.

Literature cited by the submitters: PubMed 23807571; PubMed 25614872.

NM_000051.4(ATM):c.4134_4135del (p.Pro1379fs)

Gene: ATM (ATM serine/threonine kinase; plus strand). Cytogenetic location: 11q22.3.
Variant type: Deletion.
Coding change: c.4134_4135del on transcript NM_000051.4 (MANE Select); coding-DNA positions 4134 to 4135, 2 bases deleted (AC; older notation c.4134_4135delAC).
Protein change: p.Pro1379fs; shifts the reading frame from proline 1379.
Molecular consequence: frameshift variant.
Genome position (GRCh38, 1-based): chr11:108,289,001-108,289,002, AC deleted; deleting any 2 consecutive bases within chr11:108,289,000-108,289,002 gives the same sequence; the c. name uses the placement nearest the transcript's 3' end. VCF-style (leftmost placement, unchanged base first): chr11-108288999-CCA-C. GRCh37 (hg19) VCF-style: chr11-108159726-CCA-C.
Other names: c.4134_4135del, p.Pro1379fs (NM_001351834.2); short protein forms P1379fs.
Identifiers: ClinVar variation 4715985 (VCV004715985.1).
Genomic context (GRCh38, chr11:108,288,999, plus strand): 5'-TAAAACGATGACTGTATTTTTTCCCTTAACTCTGTTAGGGATTTGGATCCTGCTCCTAAT[CCA>C]CCTCATTTTCCATCGCATGTGATTAAAGCAACATTTGCCTATATCAGCAATTGTCATAAA-3'